The following is an entry in ClinVar:

NM_000487.6(ARSA):c.827C>T (p.Thr276Met)

Gene: ARSA (arylsulfatase A; minus strand). Cytogenetic location: 22q13.33.
Variant type: single nucleotide variant.
Coding change: c.827C>T on transcript NM_000487.6 (MANE Select); coding-DNA position 827, C replaced by T.
Protein change: p.Thr276Met; replaces threonine 276 with methionine.
Molecular consequence: missense variant.
Genome position (GRCh38, 1-based): chr22:50,626,618, G>A on the plus strand (C>T on the coding strand, the complement: ARSA is on the minus strand). VCF-style: chr22-50626618-G-A. GRCh37 (hg19) VCF-style: chr22-51065046-G-A.
Other names: T274M; NP_000478.3:p.(Thr276Met); c.827C>T, p.Thr276Met (NM_001085425.3, NM_001085426.3, NM_001085427.3); c.569C>T, p.Thr190Met (NM_001085428.3, NM_001362782.2); short protein forms T276M, T190M.
Identifiers: ClinVar variation 3075 (VCV000003075.32), dbSNP rs74315472, ClinGen allele CA115985.

ClinVar aggregate classification (germline): Pathogenic. Review status: criteria provided, multiple submitters, no conflicts (2 of 4 stars). 13 submissions from 13 submitters: Pathogenic (10). 3 of the submissions do not count toward it. Last evaluated 2026-09-17.

Conditions:
ARSA-related disorder. Also called: ARSA-related condition.
METACHROMATIC LEUKODYSTROPHY, SEVERE. Identifiers: MedGen C4017094.
Metachromatic leukodystrophy (MLD). Also called: ARSA DEFICIENCY; CEREBROSIDE SULFATASE DEFICIENCY; SULFATIDE LIPIDOSIS; Arylsulfatase A Deficiency; Cerebral sclerosis diffuse metachromatic form; METACHROMATIC LEUKOENCEPHALOPATHY. Identifiers: Orphanet 512, MedGen C0023522, MONDO:0018868, OMIM 250100.

Allele frequency attached by ClinVar (database versions not stated): gnomAD 0.00001; TOPMed 0.00001; gnomAD exomes below 0.00001; ExAC 0.00001.

Submissions (14):

Laboratory of Experimental Gene Therapy of Hereditary Metabolic Diseases, Research Centre for Medical Genetics
Classification: Pathogenic for Metachromatic leukodystrophy. Last evaluated: 2026-09-17. Review status: criteria provided, single submitter. Criteria: ARSA MLD Assertion Criteria V2 2026 09 18. Collection method: clinical testing. Allele origin: germline. Inheritance: Autosomal recessive inheritance. Affected: yes. Observed: 1 variant allele, 1 compound heterozygote.
Comment: The previously reported Pathogenic classification was reviewed and retained for the accompanying study. External ClinVar record reviewed: VCV000003075.30. Observations from the present referral series were not used to establish pathogenicity.

Labcorp Genetics (formerly Invitae), Labcorp
Classification: Pathogenic for Metachromatic leukodystrophy. Last evaluated: 2025-09-08. Review status: criteria provided, single submitter. Criteria: Invitae Variant Classification Sherloc (09022015). Collection method: clinical testing. Allele origin: germline.
Comment: This sequence change replaces threonine, which is neutral and polar, with methionine, which is neutral and non-polar, at codon 276 of the ARSA protein (p.Thr276Met). This variant is present in population databases (rs74315472, gnomAD no frequency). This missense change has been observed in individuals with metachromatic leukodystrophy (MLD) (PMID: 8104633, 18786133, 19815439, 26462614; internal data). It has also been observed to segregate with disease in related individuals. This variant is also known as T274M. ClinVar contains an entry for this variant (Variation ID: 3075). Invitae Evidence Modeling of protein sequence and biophysical properties (such as structural, functional, and spatial information, amino acid conservation, physicochemical variation, residue mobility, and thermodynamic stability) indicates that this missense variant is expected to disrupt ARSA protein function with a positive predictive value of 95%. Experimental studies have shown that this missense change affects ARSA function (PMID: 7825603, 8723680). For these reasons, this variant has been classified as Pathogenic.

First Genomix Gene Laboratory, Genetic Diagnostics Department
Classification: Pathogenic for Metachromatic leukodystrophy. Last evaluated: 2025-05-23. Review status: criteria provided, single submitter. Criteria: ACMG Guidelines, 2015. Collection method: clinical testing. Allele origin: germline. Inheritance: Autosomal recessive inheritance. Affected: no. Observed: 1 variant allele.

Natera, Inc.
Classification: Pathogenic for Metachromatic leukodystrophy. Last evaluated: 2024-04-25. Review status: criteria provided, single submitter. Criteria: Natera Variant Classification Schema (03/2026). Collection method: clinical testing. Allele origin: germline.
Comment: The c.827C>T variant in ARSA is a missense variant predicted to cause substitution of threonine to methionine at amino acid 276. This variant is rare in the general population with a frequency below the threshold expected for the associated phenotype(s). This variant has been observed in one or more individuals affected with the associated recessive disease, as either homozygous or compound heterozygous with a second variant (PMID: 30293248, 34554397, 33855715). Computational prediction algorithms indicate this variant is likely to affect gene or protein function. Given the available evidence, this variant is classified as Pathogenic.

Revvity Omics, Revvity
Classification: Pathogenic for Metachromatic leukodystrophy. Last evaluated: 2020-03-10. Review status: criteria provided, single submitter. Criteria: ACMG Guidelines, 2015. Collection method: clinical testing. Allele origin: germline.

Athena Diagnostics
Classification: Pathogenic. Last evaluated: 2019-03-18. Review status: criteria provided, single submitter. Criteria: Athena Diagnostics Criteria. Collection method: clinical testing. Allele origin: germline.
Comment: Not found in the total gnomAD dataset, and the data is high quality (0/279214 chr). Found in at least one symptomatic patient. Predicted to have a damaging effect on the protein. Damaging to protein function(s) relevant to disease mechanism. Very strong co-segregation with disease, and data include affected and unaffected individuals from multiple families.

Broad Center for Mendelian Genomics, Broad Institute of MIT and Harvard
Classification: Pathogenic for Metachromatic leukodystrophy. Last evaluated: 2018-12-03. Review status: criteria provided, single submitter. Criteria: ACMG Guidelines, 2015. Collection method: research. Allele origin: germline. Inheritance: Autosomal recessive inheritance. Affected: yes.
Comment: The p.Thr276Met variant in ARSA has been reported in 18 individuals with metachromatic leukodystrophy (most of whom were Arabian or Lebanese), segregated with disease in 4 affected relatives from 2 families (PMID: 19815439, 26462614, 8104633, 7825603), and has been identified in 0.0004068% (1/245818) of chromosomes by the Genome Aggregation Database (gnomAD; dbSNP rs74315472). Although this variant has been seen in the general population, its frequency is low enough to be consistent with a recessive carrier frequency. This variant has also been reported pathogenic and likely pathogenic by Invitae and others in ClinVar (Variation ID: 3075). Invitae also reported the presence of this variant in the compound heterozygous state and in an individual with metachromatic leukodystrophy, slightly increasing the likelihood that the p.Thr276Met variant is pathogenic. Computational prediction tools and conservation analyses suggest that this variant may impact the protein, though this information is not predictive enough to determine pathogenicity. In vitro functional studies provide some evidence that the p.Thr276Met variant may impact protein function by reducing or eliminating catalytic enzyme activity (PMID: 7825603, 8723680). However, these types of assays may not accurately represent biological function. In summary, the p.Thr276Met variant is pathogenic based off of our findings, multiple reports in ClinVar, and the literature. ACMG/AMP Criteria applied: PM2, PS3, PP1_Moderate, PP3, PM3_Supporting (Richards 2015).

Fulgent Genetics
Classification: Pathogenic for Metachromatic leukodystrophy. Last evaluated: 2018-10-31. Review status: criteria provided, single submitter. Criteria: ACMG Guidelines, 2015. Collection method: clinical testing. Allele origin: unknown.

Women's Health and Genetics/Laboratory Corporation of America, LabCorp
Classification: Pathogenic for Metachromatic leukodystrophy. Last evaluated: 2017-03-23. Review status: criteria provided, single submitter. Criteria: LabCorp Variant Classification Summary - May 2015. Collection method: clinical testing. Allele origin: germline.
Comment: Variant summary: The ARSA c.827C>T (p.Thr276Met) variant causes a missense change involving the alteration of a conserved nucleotide. 5/5 in silico tools predict a damaging outcome for this variant. This variant is found in the Alkaline-phosphatase-like, core domain (IPR017850). The variant of interest has been observed in a large, broad control population, ExAC, in 1/119904 control chromosomes at a frequency of 0.0000083, which does not exceed the estimated maximal expected allele frequency of a pathogenic ARSA variant (0.0027951). Multiple studies showed this variant as co-segregating with MLD in families of Lebanese and Italian origins (Harvey_1993, Bertelli_2005). In addition, low arylsulfatase A and sulfatidase activity was observed in peripheral leukocytes and cultured skin fibroblasts in patients carrying the variant. Also, multiple clinical diagnostic laboratories/reputable databases classified this variant as likely pathogenic/pathogenic. Taken together, this variant is classified as pathogenic.

Centre for Mendelian Genomics, University Medical Centre Ljubljana
Classification: Pathogenic for Metachromatic leukodystrophy. Last evaluated: 2016-01-01. Review status: criteria provided, single submitter. Criteria: ACMG Guidelines, 2015. Collection method: clinical testing. Allele origin: unknown. Affected: yes.
Comment: This variant was classified as: Pathogenic. The following ACMG criteria were applied in classifying this variant: PS1,PS3,PM2,PP3.

PreventionGenetics, part of Exact Sciences
Classification: Pathogenic for ARSA-related condition. Last evaluated: 2023-11-07. Review status: no assertion criteria provided. Collection method: clinical testing. Allele origin: germline. Not counted in ClinVar's aggregate classification.
Comment: The ARSA c.827C>T variant is predicted to result in the amino acid substitution p.Thr276Met. In the literature this variant is also referred to as c.821C>T (p.Thr274Met). This variant has been reported in the compound heterozygous and homozygous states in individuals with late infantile metachromatic leukodystrophy (MLD) (Harvey et al. 1993. PubMed ID: 8104633; Family 3, Proband 4, Bertelli et al. 2006. PubMed ID: 16678723; Sample U7, Tan et al. 2009. PubMed ID: 19815439). This variant also led to decreased ARSA activity in the patients (Harvey et al. 1993. PubMed ID: 8104633; Bertelli et al. 2006. PubMed ID: 16678723; Tan et al. 2009. PubMed ID: 19815439). This variant has not been reported in a large population database, indicating this variant is rare. This variant is interpreted as pathogenic.

Counsyl
Classification: Likely pathogenic for Metachromatic leukodystrophy. Last evaluated: 2014-07-20. Review status: no assertion criteria provided. Collection method: literature only. Allele origin: unknown. Inheritance: Autosomal recessive inheritance. Not counted in ClinVar's aggregate classification.

OMIM
Classification: Pathogenic for METACHROMATIC LEUKODYSTROPHY, SEVERE. Last evaluated: 1993-01-01. Review status: no assertion criteria provided. Collection method: literature only. Allele origin: germline. Not counted in ClinVar's aggregate classification.

Gelb Laboratory, University of Washington
No classification provided (evidence only). Condition: Metachromatic leukodystrophy. Review status: no classification provided. Collection method: in vitro. Allele origin: not applicable. Functional consequence: loss of function. Not counted in ClinVar's aggregate classification.

Literature cited by the submitters: PubMed 8104633 (cited by 6 submitters); PubMed 18786133 (cited by 3 submitters); PubMed 19815439 (cited by 4 submitters); PubMed 26462614 (cited by 3 submitters); PubMed 7825603 (cited by 4 submitters); PubMed 8723680 (cited by 4 submitters); PubMed 30293248 (cited by Natera, Inc. and Athena Diagnostics); PubMed 34554397 (cited by Natera, Inc.); PubMed 33855715 (cited by Natera, Inc.); PubMed 16678723 (cited by Athena Diagnostics and Women's Health and Genetics/Laboratory Corporation of America, LabCorp); PubMed 30057904 (cited by Athena Diagnostics); PubMed 28670130 (cited by Athena Diagnostics); PubMed 16546179 (cited by Athena Diagnostics and Counsyl); PubMed 27289174 (cited by Athena Diagnostics); PubMed 1975241 (cited by Women's Health and Genetics/Laboratory Corporation of America, LabCorp); PubMed 7815434 (cited by Women's Health and Genetics/Laboratory Corporation of America, LabCorp); PubMed 20646068 (cited by Counsyl).